The following is an entry in ClinVar:

ClinVar aggregate classification (germline): Conflicting classifications of pathogenicity. Review status: criteria provided, conflicting classifications (1 of 4 stars). 2 submissions from 2 submitters: Uncertain significance (1); Likely benign (1). Last evaluated 2026-01-13.

Conditions:
Hereditary cancer-predisposing syndrome. Also called: Neoplastic Syndromes, Hereditary; Tumor predisposition; Hereditary neoplastic syndrome; Hereditary Cancer Syndrome. Identifiers: Orphanet 140162, MedGen C0027672, MeSH D009386, MONDO:0015356.
Fanconi anemia complementation group O. Also called: RAD51C-Related Fanconi Anemia. Identifiers: Orphanet 84, MedGen C3150653, MONDO:0013248, OMIM 613390.
Breast-ovarian cancer, familial, susceptibility to, 3. Also called: RAD51C-Related Breast/Ovarian Cancer. Identifiers: Orphanet 145, MedGen C3150659, MONDO:0013253, OMIM 613399.

Allele frequency attached by ClinVar (database versions not stated): TOPMed below 0.00001; gnomAD 0.00001.
gnomAD v4.1: 1 of 1,614,126 alleles (0.000062%); highest among the groups gnomAD compares: African/African-American, 0.0013%; no homozygotes.

Submissions (2):

Labcorp Genetics (formerly Invitae), Labcorp
Classification: Uncertain significance for Fanconi anemia complementation group O. Last evaluated: 2026-01-13. Review status: criteria provided, single submitter. Criteria: Invitae Variant Classification Sherloc (09022015). Collection method: clinical testing. Allele origin: germline.
Comment: This sequence change replaces lysine, which is basic and polar, with glutamic acid, which is acidic and polar, at codon 26 of the RAD51C protein (p.Lys26Glu). This variant is not present in population databases (gnomAD no frequency). This variant has not been reported in the literature in individuals affected with RAD51C-related conditions. ClinVar contains an entry for this variant (Variation ID: 953481). Invitae Evidence Modeling of protein sequence and biophysical properties (such as structural, functional, and spatial information, amino acid conservation, physicochemical variation, residue mobility, and thermodynamic stability) has been performed for this missense variant. However, the output from this modeling did not meet the statistical confidence thresholds required to predict the impact of this variant on RAD51C protein function. In summary, the available evidence is currently insufficient to determine the role of this variant in disease. Therefore, it has been classified as a Variant of Uncertain Significance.

Ambry Genetics
Classification: Likely benign for Hereditary cancer-predisposing syndrome. Last evaluated: 2026-01-07. Review status: criteria provided, single submitter. Criteria: Ambry Variant Classification Scheme 2023. Collection method: clinical testing. Allele origin: germline.

NM_058216.3(RAD51C):c.76A>G (p.Lys26Glu)

Gene: RAD51C (RAD51 paralog C; plus strand). Cytogenetic location: 17q22.
Variant type: single nucleotide variant.
Coding change: c.76A>G on transcript NM_058216.3 (MANE Select); coding-DNA position 76, A replaced by G.
Protein change: p.Lys26Glu; replaces lysine 26 with glutamic acid.
Molecular consequence: missense variant. On other transcripts: non-coding transcript variant (1).
Genome position (GRCh38, 1-based): chr17:58,692,719, A>G. VCF-style: chr17-58692719-A-G. GRCh37 (hg19) VCF-style: chr17-56770080-A-G.
Other names: c.76A>G, p.Lys26Glu (NM_002876.4); c.76A>G (NM_058216.1); short protein forms K26E.
Identifiers: ClinVar variation 953481 (VCV000953481.10), dbSNP rs1233718307, ClinGen allele CA400337022.